The following is an entry in ClinVar:

NM_000053.4(ATP7B):c.1828C>G (p.Pro610Ala)

Gene: ATP7B (ATPase copper transporting beta; minus strand). Cytogenetic location: 13q14.3.
Variant type: single nucleotide variant.
Coding change: c.1828C>G on transcript NM_000053.4 (MANE Select); coding-DNA position 1828, C replaced by G.
Protein change: p.Pro610Ala; replaces proline 610 with alanine.
Molecular consequence: missense variant. On other transcripts: intron variant (3).
Genome position (GRCh38, 1-based): chr13:51,964,913, G>C on the plus strand (C>G on the coding strand, the complement: ATP7B is on the minus strand). VCF-style: chr13-51964913-G-C. GRCh37 (hg19) VCF-style: chr13-52539049-G-C.
Other names: c.1732C>G, p.Pro578Ala (NM_001406530.1, NM_001406536.1, NM_001406543.1 and 3 more transcripts); c.1828C>G, p.Pro610Ala (NM_001406531.1, NM_001406532.1, NM_001406534.1 and 24 more transcripts); c.1399C>G, p.Pro467Ala (NM_001406539.1); c.1285+9022C>G (NM_001406548.1); c.1707+3531C>G (NM_001406547.1, NM_001406545.1); c.1795C>G, p.Pro599Ala (NM_001406514.1, NM_001406524.1); c.1495C>G, p.Pro499Ala (NM_001243182.2); short protein forms P467A, P499A, P578A, P599A, P610A.
Identifiers: ClinVar variation 3070285 (VCV003070285.3), dbSNP rs753069338, ClinGen allele CA250061559.

ClinVar aggregate classification (germline): Uncertain significance. Review status: criteria provided, multiple submitters, no conflicts (2 of 4 stars). 3 submissions from 3 submitters: Uncertain significance (3). Last evaluated 2025-06-05.

Conditions:
Wilson disease (WND). Also called: Wilson's disease. Identifiers: Orphanet 905, MedGen C0019202, MONDO:0010200, OMIM 277900. Disease mechanism: loss of function.

Allele frequency attached by ClinVar (database versions not stated): gnomAD exomes 0.00002.
gnomAD v4.1: 26 of 1,613,806 alleles (0.0016%); highest among the groups gnomAD compares: Non-Finnish European, 0.0022%; no homozygotes.

Submissions (3):

Color Diagnostics, LLC DBA Color Health
Classification: Uncertain significance for Wilson disease. Last evaluated: 2025-06-05. Review status: criteria provided, single submitter. Criteria: ACMG Guidelines, 2015. Collection method: clinical testing. Allele origin: germline.
Comment: This missense variant replaces proline with alanine at codon 610 of the ATP7B protein. Computational prediction suggests that this variant may not impact protein structure and function. To our knowledge, functional studies have not been reported for this variant. This variant has not been reported in individuals affected with ATP7B-related disorders in the literature. This variant has been identified in 1/249580 chromosomes in the general population by the Genome Aggregation Database (gnomAD). The available evidence is insufficient to determine the role of this variant in disease conclusively. Therefore, this variant is classified as a Variant of Uncertain Significance.

Fulgent Genetics
Classification: Uncertain significance for Wilson disease. Last evaluated: 2024-04-15. Review status: criteria provided, single submitter. Criteria: ACMG Guidelines, 2015. Collection method: clinical testing. Allele origin: germline.

All of Us Research Program, National Institutes of Health
Classification: Uncertain significance for Wilson disease. Last evaluated: 2023-04-10. Review status: criteria provided, single submitter. Criteria: ACMG Guidelines, 2015. Collection method: clinical testing. Allele origin: germline. Inheritance: Autosomal recessive inheritance. Observed: 1 variant allele, 1 heterozygote.
Comment: This missense variant replaces proline with alanine at codon 610 of the ATP7B protein. Computational prediction suggests that this variant may not impact protein structure and function (internally defined REVEL score threshold <= 0.5, PMID: 27666373). To our knowledge, functional studies have not been reported for this variant. This variant has not been reported in individuals affected with ATP7B-related disorders in the literature. This variant has been identified in 1/249580 chromosomes in the general population by the Genome Aggregation Database (gnomAD). The available evidence is insufficient to determine the role of this variant in disease conclusively. Therefore, this variant is classified as a Variant of Uncertain Significance.

This study involves interpretation of variants in research participants for the purpose of population health screening. Participant phenotype was not available at the time of variant classification. Additional details can be found in publication PMID: 35346344, PMCID: PMC8962531